The following is an entry in ClinVar:

ClinVar aggregate classification (germline): Likely benign. Review status: criteria provided, multiple submitters, no conflicts (2 of 4 stars). 3 submissions from 3 submitters: Likely benign (3). Last evaluated 2023-03-04.

Conditions:
Cardiomyopathy (CMYO). Also called: Cardiomyopathies. Identifiers: Orphanet 167848, MedGen C0878544, MONDO:0004994, HP:0001638. Inheritance: Various modes of inheritance.
Arrhythmogenic right ventricular cardiomyopathy (ARVD). Also called: Arrhythmogenic cardiomyopathy; Cardiomyopathy, ARVC; Arrhythmogenic right ventricular dysplasia; Arrhythmogenic Right Ventricular Cardiomyopathy (ARVC). Identifiers: Orphanet 247, MedGen C0349788, MeSH D019571, MONDO:0016587. Disease mechanism: loss of function. Inheritance: Various modes of inheritance.
Arrhythmogenic right ventricular dysplasia 9 (ARVD9). Also called: Arrhythmogenic Right Ventricular Dysplasia/Cardiomyopathy 9; ARRHYTHMOGENIC RIGHT VENTRICULAR DYSPLASIA, FAMILIAL, 9. Identifiers: MedGen C1836906, MONDO:0012180, OMIM 609040.

Allele frequency attached by ClinVar (database versions not stated): TOPMed 0.00001.
gnomAD v4.1: 5 of 1,613,964 alleles (0.00031%); highest among the groups gnomAD compares: East Asian, 0.0045%; no homozygotes.

Submissions (3):

All of Us Research Program, National Institutes of Health
Classification: Likely benign for Arrhythmogenic right ventricular cardiomyopathy. Last evaluated: 2023-03-04. Review status: criteria provided, single submitter. Criteria: ACMG Guidelines, 2015. Collection method: clinical testing. Allele origin: germline. Inheritance: Autosomal dominant inheritance. Observed: 2 variant alleles, 2 heterozygotes.
Comment: This study involves interpretation of variants in research participants for the purpose of population health screening. Participant phenotype was not available at the time of variant classification. Additional details can be found in publication PMID: 35346344, PMCID: PMC8962531

Labcorp Genetics (formerly Invitae), Labcorp
Classification: Likely benign for Arrhythmogenic right ventricular dysplasia 9. Last evaluated: 2022-03-26. Review status: criteria provided, single submitter. Criteria: Invitae Variant Classification Sherloc (09022015). Collection method: clinical testing. Allele origin: germline.

Color Diagnostics, LLC DBA Color Health
Classification: Likely benign for Cardiomyopathy. Last evaluated: 2018-10-18. Review status: criteria provided, single submitter. Criteria: ACMG Guidelines, 2015. Collection method: clinical testing. Allele origin: germline.

NM_001005242.3(PKP2):c.1101A>G (p.Pro367=)

Gene: PKP2 (plakophilin 2; minus strand). Cytogenetic location: 12p11.21.
Variant type: single nucleotide variant.
Coding change: c.1101A>G on transcript NM_001005242.3 (MANE Select); coding-DNA position 1101, A replaced by G.
Protein change: p.Pro367=; no amino-acid change (proline 367 retained).
Molecular consequence: synonymous variant.
Genome position (GRCh38, 1-based): chr12:32,868,996, T>C on the plus strand (A>G on the coding strand, the complement: PKP2 is on the minus strand). VCF-style: chr12-32868996-T-C. GRCh37 (hg19) VCF-style: chr12-33021930-T-C.
Other names: c.1101A>G, p.Pro367= (NM_004572.4).
Identifiers: ClinVar variation 629713 (VCV000629713.11), dbSNP rs776927054, ClinGen allele CA479174586.